The following is an entry in ClinVar:

NM_018417.6(ADCY10):c.1726C>T (p.Arg576Ter)

Gene: ADCY10 (adenylate cyclase 10; minus strand). Cytogenetic location: 1q24.2.
Variant type: single nucleotide variant.
Coding change: c.1726C>T on transcript NM_018417.6 (MANE Select); coding-DNA position 1726, C replaced by T.
Protein change: p.Arg576Ter; replaces arginine 576 with a stop codon.
Molecular consequence: nonsense.
Genome position (GRCh38, 1-based): chr1:167,860,954, G>A on the plus strand (C>T on the coding strand, the complement: ADCY10 is on the minus strand). VCF-style: chr1-167860954-G-A. GRCh37 (hg19) VCF-style: chr1-167830192-G-A.
Other names: c.1267C>T, p.Arg423Ter (NM_001167749.3); c.1450C>T, p.Arg484Ter (NM_001297772.2); short protein forms R576*, R423*, R484*.
Identifiers: ClinVar variation 4980821 (VCV004980821.1).

ClinVar aggregate classification (germline): Likely pathogenic (1 of 4 stars; one submission).

Conditions:
ADCY10-related disorder. Also called: ADCY10-related condition.

gnomAD v4.1: 53 of 1,614,082 alleles (0.0033%); highest among the groups gnomAD compares: East Asian, 0.016%; no homozygotes.

Submission:

PreventionGenetics, part of Exact Sciences
Classification: Likely pathogenic for ADCY10-related condition. Last evaluated: 2026-01-10. Review status: criteria provided, single submitter. Criteria: ACMG Guidelines, 2015. Collection method: clinical testing. Allele origin: germline.
Comment: The ADCY10 c.1726C>T variant is predicted to result in premature protein termination (p.Arg576*). This variant has been reported in individuals with nephrolithiasis (Table 1, Liu et al. 2023. PubMed ID: 37306718; Ge et al. 2024. PubMed ID: 38258300). This variant is reported in 0.025% of alleles in individuals of East Asian descent in gnomAD. Nonsense variants in ADCY10 are expected to be pathogenic. This variant is interpreted as likely pathogenic.